The following is an entry in ClinVar:

NM_024580.6(EFL1):c.1444+4T>C

Gene: EFL1 (elongation factor like GTPase 1; minus strand). Cytogenetic location: 15q25.2.
Variant type: single nucleotide variant.
Coding change: c.1444+4T>C on transcript NM_024580.6 (MANE Select); 4 bases into the intron after coding-DNA position 1444, T replaced by C.
Molecular consequence: intron variant.
Genome position (GRCh38, 1-based): chr15:82,220,074, A>G on the plus strand (T>C on the coding strand, the complement: EFL1 is on the minus strand). VCF-style: chr15-82220074-A-G. GRCh37 (hg19) VCF-style: chr15-82512415-A-G.
Other names: c.1291+4T>C (NM_001040610.3); c.655+4T>C (NM_001322844.2); c.1444+4T>C (NM_001322845.2).
Identifiers: ClinVar variation 1935475 (VCV001935475.5), dbSNP rs751321697, ClinGen allele CA7697986.

ClinVar aggregate classification (germline): Uncertain significance (1 of 4 stars; one submission).

Allele frequency attached by ClinVar (database versions not stated): gnomAD exomes 0.00001; TOPMed 0.00001; ExAC 0.00002.
gnomAD v4.1: 12 of 1,599,902 alleles (0.00075%); highest among the groups gnomAD compares: East Asian, 0.0022%; no homozygotes.

Submission:

Labcorp Genetics (formerly Invitae), Labcorp
Classification: Uncertain significance. Last evaluated: 2022-06-25. Review status: criteria provided, single submitter. Criteria: Invitae Variant Classification Sherloc (09022015). Collection method: clinical testing. Allele origin: germline.
Comment: In summary, the available evidence is currently insufficient to determine the role of this variant in disease. Therefore, it has been classified as a Variant of Uncertain Significance. Variants that disrupt the consensus splice site are a relatively common cause of aberrant splicing (PMID: 17576681, 9536098). Algorithms developed to predict the effect of sequence changes on RNA splicing suggest that this variant may create or strengthen a splice site. This variant has not been reported in the literature in individuals affected with EFL1-related conditions. This variant is present in population databases (rs751321697, gnomAD 0.006%). This sequence change falls in intron 13 of the EFL1 gene. It does not directly change the encoded amino acid sequence of the EFL1 protein. It affects a nucleotide within the consensus splice site.

Literature cited by the submitters: PubMed 17576681; PubMed 9536098.